The following is an entry in ClinVar:

ClinVar aggregate classification (germline): Uncertain significance (1 of 4 stars; one submission).

Submission:

ARUP Laboratories, Molecular Genetics and Genomics, ARUP Laboratories
Classification: Uncertain significance. Last evaluated: 2025-06-19. Review status: criteria provided, single submitter. Criteria: ARUP Molecular Germline Variant Investigation Process 2024. Collection method: clinical testing. Allele origin: germline.
Comment: The UGT1A1 c.1197C>G; p.Asp399Glu variant, to our knowledge, is not reported in the medical literature or gene specific databases. This variant is also absent from the Genome Aggregation Database (v2.1.1), indicating it is not a common polymorphism. Computational analyses are uncertain whether this variant is neutral or deleterious (REVEL: 0.389). Due to limited information, the clinical significance of this variant is uncertain at this time.

NM_000463.3(UGT1A1):c.1197C>G (p.Asp399Glu)

Genes: UGT1A (UDP glucuronosyltransferase family 1 member A complex locus; plus strand), UGT1A1 (UDP glucuronosyltransferase family 1 member A1; plus strand), UGT1A10 (UDP glucuronosyltransferase family 1 member A10; plus strand), UGT1A3 (UDP glucuronosyltransferase family 1 member A3; plus strand), UGT1A4 (UDP glucuronosyltransferase family 1 member A4; plus strand) and 5 more. Cytogenetic location: 2q37.1.
Variant type: single nucleotide variant.
Coding change: c.1197C>G on transcript NM_000463.3 (MANE Select); coding-DNA position 1197, C replaced by G.
Protein change: p.Asp399Glu; replaces aspartic acid 399 with glutamic acid.
Molecular consequence: missense variant.
Genome position (GRCh38, 1-based): chr2:233,768,332, C>G. VCF-style: chr2-233768332-C-G. GRCh37 (hg19) VCF-style: chr2-234676978-C-G.
Other names: c.1188C>G, p.Asp396Glu (NM_019075.4, NM_019076.5, NM_019077.3 and 1 more transcripts); c.1200C>G, p.Asp400Glu (NM_019093.4, NM_019078.2, NM_007120.3); c.1194C>G, p.Asp398Glu (NM_001072.4); c.393C>G, p.Asp131Glu (NM_205862.3); short protein forms D131E, D396E, D398E, D399E, D400E.
Identifiers: ClinVar variation 4685896 (VCV004685896.1).